The following is an entry in ClinVar:

NM_000264.5(PTCH1):c.3621C>A (p.Phe1207Leu)

Gene: PTCH1 (patched 1; minus strand). Cytogenetic location: 9q22.32.
Variant type: single nucleotide variant.
Coding change: c.3621C>A on transcript NM_000264.5 (MANE Select); coding-DNA position 3621, C replaced by A.
Protein change: p.Phe1207Leu; replaces phenylalanine 1207 with leucine.
Molecular consequence: missense variant. On other transcripts: non-coding transcript variant (1).
Genome position (GRCh38, 1-based): chr9:95,449,252, G>T on the plus strand (C>A on the coding strand, the complement: PTCH1 is on the minus strand). VCF-style: chr9-95449252-G-T. GRCh37 (hg19) VCF-style: chr9-98211534-G-T.
Other names: c.3423C>A, p.Phe1141Leu (NM_001083602.3); c.3618C>A, p.Phe1206Leu (NM_001083603.3); c.3168C>A, p.Phe1056Leu (NM_001083604.3, NM_001083605.3, NM_001083606.3 and 1 more transcripts); c.3465C>A, p.Phe1155Leu (NM_001354918.2); short protein forms F1141L, F1155L, F1206L, F1056L, F1207L.
Identifiers: ClinVar variation 4842294 (VCV004842294.1).

ClinVar aggregate classification (germline): Uncertain significance (1 of 4 stars; one submission).

Conditions:
Hereditary cancer-predisposing syndrome. Also called: Neoplastic Syndromes, Hereditary; Tumor predisposition; Hereditary Cancer Syndrome; Hereditary neoplastic syndrome. Identifiers: Orphanet 140162, MedGen C0027672, MeSH D009386, MONDO:0015356.

gnomAD v4.1: 1 of 1,573,630 alleles (0.000064%); highest among the groups gnomAD compares: Non-Finnish European, 0.000086%; no homozygotes.

Submission:

Ambry Genetics
Classification: Uncertain significance for Hereditary cancer-predisposing syndrome. Last evaluated: 2026-01-12. Review status: criteria provided, single submitter. Criteria: Ambry Variant Classification Scheme 2023. Collection method: clinical testing. Allele origin: germline.
Comment: The p.F1207L variant (also known as c.3621C>A), located in coding exon 22 of the PTCH1 gene, results from a C to A substitution at nucleotide position 3621. The phenylalanine at codon 1207 is replaced by leucine, an amino acid with highly similar properties. This amino acid position is conserved. In addition, the in silico prediction for this alteration is inconclusive. Based on the available evidence, the clinical significance of this variant remains unclear.